The following is an entry in ClinVar:

NM_001177693.2(ARHGEF28):c.2301C>T (p.Phe767=)

Gene: ARHGEF28 (Rho guanine nucleotide exchange factor 28; plus strand). Cytogenetic location: 5q13.2.
Variant type: single nucleotide variant.
Coding change: c.2301C>T on transcript NM_001177693.2 (MANE Select); coding-DNA position 2301, C replaced by T.
Protein change: p.Phe767=; no amino-acid change (phenylalanine 767 retained).
Molecular consequence: synonymous variant.
Genome position (GRCh38, 1-based): chr5:73,868,103, C>T. VCF-style: chr5-73868103-C-T. GRCh37 (hg19) VCF-style: chr5-73163928-C-T.
Other names: c.2301C>T, p.Phe767= (NM_001080479.3, NM_001388078.1); c.1362C>T, p.Phe454= (NM_001244364.2); c.2007C>T, p.Phe669= (NM_001388076.1).
Identifiers: ClinVar variation 3037031 (VCV003037031.2), dbSNP rs1372259452, ClinGen allele CA445091771.

ClinVar aggregate classification (germline): Likely benign (0 of 4 stars; one submission).

Conditions:
ARHGEF28-related disorder. Also called: ARHGEF28-related condition.

Allele frequency attached by ClinVar (database versions not stated): gnomAD exomes below 0.00001; gnomAD 0.00001; TOPMed 0.00001.
gnomAD v4.1: 7 of 1,612,214 alleles (0.00043%); highest among the groups gnomAD compares: African/African-American, 0.0027%; no homozygotes.

Submission:

PreventionGenetics, part of Exact Sciences
Classification: Likely benign for ARHGEF28-related condition. Last evaluated: 2023-09-29. Review status: no assertion criteria provided. Collection method: clinical testing. Allele origin: germline.
Comment: This variant is classified as likely benign based on ACMG/AMP sequence variant interpretation guidelines (Richards et al. 2015 PMID: 25741868, with internal and published modifications).